The following is an entry in ClinVar:

ClinVar aggregate classification (germline): Uncertain significance (1 of 4 stars; one submission).

Submission:

Labcorp Genetics (formerly Invitae), Labcorp
Classification: Uncertain significance. Last evaluated: 2025-01-13. Review status: criteria provided, single submitter. Criteria: Invitae Variant Classification Sherloc (09022015). Collection method: clinical testing. Allele origin: germline.
Comment: This sequence change replaces threonine, which is neutral and polar, with asparagine, which is neutral and polar, at codon 691 of the EMC1 protein (p.Thr691Asn). This variant is not present in population databases (gnomAD no frequency). This variant has not been reported in the literature in individuals affected with EMC1-related conditions. Invitae Evidence Modeling of protein sequence and biophysical properties (such as structural, functional, and spatial information, amino acid conservation, physicochemical variation, residue mobility, and thermodynamic stability) indicates that this missense variant is not expected to disrupt EMC1 protein function with a negative predictive value of 80%. In summary, the available evidence is currently insufficient to determine the role of this variant in disease. Therefore, it has been classified as a Variant of Uncertain Significance.

NM_015047.3(EMC1):c.2072C>A (p.Thr691Asn)

Genes: EMC1 (ER membrane protein complex subunit 1; minus strand), EMC1-AS1 (EMC1 antisense RNA 1; plus strand). Cytogenetic location: 1p36.13.
Variant type: single nucleotide variant.
Coding change: c.2072C>A on transcript NM_015047.3 (MANE Select); coding-DNA position 2072, C replaced by A.
Protein change: p.Thr691Asn; replaces threonine 691 with asparagine.
Molecular consequence: missense variant.
Genome position (GRCh38, 1-based): chr1:19,227,443, G>T on the plus strand (C>A on the coding strand, the complement: EMC1 is on the minus strand). VCF-style: chr1-19227443-G-T. GRCh37 (hg19) VCF-style: chr1-19553937-G-T.
Other names: c.2069C>A, p.Thr690Asn (NM_001271427.2, NM_001271428.2); c.2006C>A, p.Thr669Asn (NM_001271429.2); c.2081C>A, p.Thr694Asn (NM_001375820.1); c.2078C>A, p.Thr693Asn (NM_001375821.1); short protein forms T669N, T691N, T693N, T694N, T690N.
Identifiers: ClinVar variation 3708888 (VCV003708888.2).
Genomic context (GRCh38, chr1:19,227,443, plus strand): 5'-TTCACCTTGACGATCCGCTGTACTTCTGGGGGAATGGTCAGCTCCCAACTCAGCTCAGTG[G>T]TGAGATCCTAGGGCAGGGGCAAAAAAGCCTGTAATCAGGAGGGTACACTTAGAACTGAAA-3'
Protein context (NP_055862.1, residues 681-701): LCGYRLRKDL[Thr691Asn]TELSWELTIP